The following is an entry in ClinVar:

NM_000218.3(KCNQ1):c.1514+4073G>A

Genes: KCNQ1 (potassium voltage-gated channel subfamily Q member 1; plus strand), KCNQ1OT1 (KCNQ1 opposite strand/antisense transcript 1; minus strand). Cytogenetic location: 11p15.5.
Variant type: single nucleotide variant.
Coding change: c.1514+4073G>A on transcript NM_000218.3 (MANE Select); 4073 bases into the intron after coding-DNA position 1514, G replaced by A.
Molecular consequence: intron variant.
Genome position (GRCh38, 1-based): chr11:2,666,154, G>A. VCF-style: chr11-2666154-G-A. GRCh37 (hg19) VCF-style: chr11-2687384-G-A.
Other names: c.1244+4073G>A (NM_001406837.1); c.1418+4073G>A (NM_001406836.1); c.974+4073G>A (NM_001406838.1); c.1133+4073G>A (NM_181798.2).
Identifiers: ClinVar variation 1879185 (VCV001879185.29), dbSNP rs1041968503, ClinGen allele CA216174544.

ClinVar aggregate classification (germline): Benign (1 of 4 stars; one submission).

Allele frequency attached by ClinVar (database versions not stated): gnomAD 0.00049; TOPMed 0.00059; gnomAD exomes 0.00091.
gnomAD v4.1: 305 of 398,594 alleles (0.077%); highest among the groups gnomAD compares: Middle Eastern, 0.062%; 2 homozygotes.

Submission:

CeGaT Center for Human Genetics Tuebingen
Classification: Benign. Last evaluated: 2026-04-01. Review status: criteria provided, single submitter. Criteria: CeGaT Center For Human Genetics Tuebingen Variant Classification Criteria Version 2. Collection method: clinical testing. Allele origin: germline. Affected: yes. Observed: 30 variant alleles.
Comment: KCNQ1OT1: BS1, BS2